The following is an entry in ClinVar:

NM_002662.5(PLD1):c.2882+4_2882+8delinsTGCACACAGTGCAGAG

Gene: PLD1 (phospholipase D1; minus strand). Cytogenetic location: 3q26.31.
Variant type: Indel.
Coding change: c.2882+4_2882+8delinsTGCACACAGTGCAGAG on transcript NM_002662.5 (MANE Select); bases 4 to 8 of the intron after coding-DNA position 2882, AGTCC replaced by TGCACACAGTGCAGAG.
Molecular consequence: intron variant.
Genome position (GRCh38, 1-based): chr3:171,612,271-171,612,275, GGACT replaced by CTCTGCACTGTGTGCA on the plus strand (AGTCC replaced by TGCACACAGTGCAGAG on the coding strand, the reverse complement: PLD1 is on the minus strand). VCF-style: chr3-171612271-GGACT-CTCTGCACTGTGTGCA. GRCh37 (hg19) VCF-style: chr3-171330061-GGACT-CTCTGCACTGTGTGCA.
Other names: c.2768+4_2768+8delinsTGCACACAGTGCAGAG (NM_001130081.3).
Identifiers: ClinVar variation 4527629 (VCV004527629.1).
Genomic context (GRCh38, chr3:171,612,271, plus strand): 5'-AGCGGGGCTGGGTCCCAGCGACTGCTGCAGTGGAAATGCATCAGAGAGACACACTTTGGC[GGACT>CTCTGCACTGTGTGCA]GACCTAAAGCACTGTAGCCGAAGTCCTCGGGCAAACCGGCCAGCTTGGTACTCTTTTCCA-3'

ClinVar aggregate classification (germline): Uncertain significance (1 of 4 stars; one submission).

Submission:

GeneDx
Classification: Uncertain significance. Last evaluated: 2025-04-24. Review status: criteria provided, single submitter. Criteria: GeneDx Variant Classification Process June 2021. Collection method: clinical testing. Allele origin: germline. Affected: yes.
Comment: Not observed at significant frequency in large population cohorts (gnomAD); In silico analysis supports a deleterious effect on splicing; Has not been previously published as pathogenic or benign to our knowledge